The following is an entry in ClinVar:

ClinVar aggregate classification (germline): Likely pathogenic (0 of 4 stars; one submission).

Conditions:
Bleeding disorder, platelet-type, 21 (BDPLT21). Identifiers: MedGen C4479515, MONDO:0054577, OMIM 617443.

Submission:

ISTH-SSC Genomics in Thrombosis and Hemostasis, KU Leuven, Center for Molecular and Vascular Biology
Classification: Likely pathogenic for Bleeding disorder, platelet-type, 21. Review status: no assertion criteria provided. Collection method: research. Allele origin: unknown. Affected: yes.
Comment: Submitted to GoldVariant by Dr Karyn Mégy from NIHR Bioresource - Cambridge University, UK

NM_002017.5(FLI1):c.946G>T (p.Glu316Ter)

Gene: FLI1 (Fli-1 proto-oncogene, ETS transcription factor; plus strand). Cytogenetic location: 11q24.3.
Variant type: single nucleotide variant.
Coding change: c.946G>T on transcript NM_002017.5 (MANE Select); coding-DNA position 946, G replaced by T.
Protein change: p.Glu316Ter; replaces glutamic acid 316 with a stop codon.
Molecular consequence: nonsense.
Genome position (GRCh38, 1-based): chr11:128,810,575, G>T. VCF-style: chr11-128810575-G-T. GRCh37 (hg19) VCF-style: chr11-128680470-G-T.
Other names: c.847G>T, p.Glu283Ter (NM_001167681.3); c.748G>T, p.Glu250Ter (NM_001271010.2); c.367G>T, p.Glu123Ter (NM_001271012.2); short protein forms E123*, E250*, E283*, E316*.
Identifiers: ClinVar variation 1684367 (VCV001684367.1), dbSNP rs2135925063, ClinGen allele CA383238687.
Genomic context (GRCh38, chr11:128,810,575, plus strand): 5'-AACGCCAGCTGTATCACCTGGGAGGGGACCAACGGGGAGTTCAAAATGACGGACCCCGAT[G>T]AGGTGGCCAGGCGCTGGGGCGAGCGGAAAAGCAAGCCCAACATGAATTACGACAAGCTGA-3'